The following is an entry in ClinVar:

NM_001042492.3(NF1):c.1338del (p.Leu447fs)

Gene: NF1 (neurofibromin 1; plus strand). Cytogenetic location: 17q11.2.
Variant type: Deletion.
Coding change: c.1338del on transcript NM_001042492.3 (MANE Select); coding-DNA position 1338, one base deleted (A; older notation c.1338delA).
Protein change: p.Leu447fs; shifts the reading frame from leucine 447.
Molecular consequence: frameshift variant.
Genome position (GRCh38, 1-based): chr17:31,206,317, A deleted. VCF-style (leftmost placement, unchanged base first): chr17-31206316-CA-C. GRCh37 (hg19) VCF-style: chr17-29533334-CA-C.
Other names: c.1338delA, p.Leu447Phefs (NM_000267.4); c.1338del, p.Leu447fs (NM_001128147.3); short protein forms L447fs.
Identifiers: ClinVar variation 3722586 (VCV003722586.2).

ClinVar aggregate classification (germline): Pathogenic (1 of 4 stars; one submission).

Conditions:
Neurofibromatosis, type 1 (NF1). Also called: VON RECKLINGHAUSEN DISEASE; NEUROFIBROMATOSIS, TYPE I, SOMATIC; Peripheral type neurofibromatosis; Neurofibromatosis, type I. Identifiers: Orphanet 636, MedGen C0027831, MONDO:0018975, OMIM 162200. Disease mechanism: loss of function.

Submission:

Labcorp Genetics (formerly Invitae), Labcorp
Classification: Pathogenic for Neurofibromatosis, type 1. Last evaluated: 2024-09-24. Review status: criteria provided, single submitter. Criteria: Invitae Variant Classification Sherloc (09022015). Collection method: clinical testing. Allele origin: germline.
Comment: This sequence change creates a premature translational stop signal (p.Leu447Phefs*26) in the NF1 gene. It is expected to result in an absent or disrupted protein product. Loss-of-function variants in NF1 are known to be pathogenic (PMID: 10712197, 23913538). This variant is not present in population databases (gnomAD no frequency). This premature translational stop signal has been observed in individual(s) with neurofibromatosis type 1 (PMID: 10712197). For these reasons, this variant has been classified as Pathogenic.

Literature cited by the submitters: PubMed 10712197; PubMed 23913538.